The following is an entry in ClinVar:

NM_000197.2(HSD17B3):c.111_118del (p.Lys37fs)

Genes: HSD17B3 (hydroxysteroid 17-beta dehydrogenase 3; minus strand), SLC35D2-HSD17B3 (SLC35D2-HSD17B3 readthrough; minus strand). Cytogenetic location: 9q22.32.
Variant type: Deletion.
Coding change: c.111_118del on transcript NM_000197.2 (MANE Select); coding-DNA positions 111 to 118, 8 bases deleted (AGTTTTGC; older notation c.111_118delAGTTTTGC).
Protein change: p.Lys37fs; shifts the reading frame from lysine 37.
Molecular consequence: frameshift variant. On other transcripts: non-coding transcript variant (1).
Genome position (GRCh38, 1-based): chr9:96,301,987-96,301,994, GCAAAACT deleted on the plus strand (AGTTTTGC on the coding strand, the reverse complement: HSD17B3 is on the minus strand). VCF-style (leftmost placement, unchanged base first): chr9-96301986-GGCAAAACT-G. GRCh37 (hg19) VCF-style: chr9-99064268-GGCAAAACT-G.
Other names: short protein forms K37fs.
Identifiers: ClinVar variation 3062275 (VCV003062275.1), dbSNP rs2490210441, ClinGen allele CA2740095540.

ClinVar aggregate classification (germline): Likely pathogenic (1 of 4 stars; one submission).

Conditions:
Testosterone 17-beta-dehydrogenase deficiency. Also called: 46,XY disorder of sex development due to 17-beta-hydroxysteroid dehydrogenase 3 deficiency; 17-beta hydroxysteroid dehydrogenase 3 deficiency; Pseudohermaphroditism male with gynecomastia; 17 alpha ketosteroid reductase deficiency of testis; 17 alpha KSR deficiency; Neutral 17 beta hydroxysteroid oxidoreductase deficiency. Identifiers: Orphanet 752, MedGen C0268296, MONDO:0009916, OMIM 264300. Disease mechanism: loss of function.

Submission:

Molecular Genetics Department, Kulakov National Medical Research Center for Obstetrics, Gynecology and Perinatology
Classification: Likely pathogenic for Testosterone 17-beta-dehydrogenase deficiency. Review status: criteria provided, single submitter. Criteria: ACMG Guidelines, 2015. Collection method: clinical testing. Allele origin: germline. Affected: yes.
Comment: A previously undescribed nucleotide variant creates a frameshift p.Lys37AsnfsTer40 in the HSD17B3 gene. Homozygous and compound heterozygous variants are reported in patients with Pseudohermaphroditism, male, with gynecomastia, 264300. The variant is not present in population database (gnomAD no frequency). In summary, the currently available evidence indicates that the variant is pathogenic, but additional data are needed to prove that conclusively. Therefore, this variant has been classified as likely pathogenic.